The following is an entry in ClinVar:

ClinVar aggregate classification (germline): Uncertain significance (1 of 4 stars; one submission).

Allele frequency attached by ClinVar (database versions not stated): TOPMed 0.00002; gnomAD 0.00003.
gnomAD v4.1: 4 of 1,612,418 alleles (0.00025%); highest among the groups gnomAD compares: African/African-American, 0.004%; no homozygotes.

Submission:

Labcorp Genetics (formerly Invitae), Labcorp
Classification: Uncertain significance. Last evaluated: 2025-06-26. Review status: criteria provided, single submitter. Criteria: Invitae Variant Classification Sherloc (09022015). Collection method: clinical testing. Allele origin: germline.
Comment: This sequence change falls in intron 5 of the PTH1R gene. It does not directly change the encoded amino acid sequence of the PTH1R protein. It affects a nucleotide within the consensus splice site. This variant is not present in population databases (gnomAD no frequency). This variant has not been reported in the literature in individuals affected with PTH1R-related conditions. ClinVar contains an entry for this variant (Variation ID: 2917195). Variants that disrupt the consensus splice site are a relatively common cause of aberrant splicing (PMID: 17576681, 9536098). Algorithms developed to predict the effect of sequence changes on RNA splicing suggest that this variant may disrupt the consensus splice site. In summary, the available evidence is currently insufficient to determine the role of this variant in disease. Therefore, it has been classified as a Variant of Uncertain Significance.

Literature cited by the submitters: PubMed 17576681; PubMed 9536098.

NM_000316.3(PTH1R):c.313+3A>T

Gene: PTH1R (parathyroid hormone 1 receptor; plus strand). Cytogenetic location: 3p21.31.
Variant type: single nucleotide variant.
Coding change: c.313+3A>T on transcript NM_000316.3 (MANE Select); 3 bases into the intron after coding-DNA position 313, A replaced by T.
Molecular consequence: intron variant.
Genome position (GRCh38, 1-based): chr3:46,895,872, A>T. VCF-style: chr3-46895872-A-T. GRCh37 (hg19) VCF-style: chr3-46937362-A-T.
Other names: c.313+3A>T (NM_001184744.1).
Identifiers: ClinVar variation 2917195 (VCV002917195.3), dbSNP rs1274085501, ClinGen allele CA907618495.